The following is an entry in ClinVar:

ClinVar aggregate classification (germline): Uncertain significance (1 of 4 stars; one submission).

Conditions:
Transcobalamin II deficiency (TCN2D). Also called: Transcolabamin II deficiency; TC II DEFICIENCY; TCN2 DEFICIENCY. Identifiers: Orphanet 859, MedGen C0342701, MONDO:0010149, OMIM 275350.

Allele frequency attached by ClinVar (database versions not stated): 1000 Genomes Project 30x 0.00016.

Submission:

Labcorp Genetics (formerly Invitae), Labcorp
Classification: Uncertain significance for Transcobalamin II deficiency. Last evaluated: 2021-11-02. Review status: criteria provided, single submitter. Criteria: Invitae Variant Classification Sherloc (09022015). Collection method: clinical testing. Allele origin: germline.
Comment: This sequence change replaces arginine, which is basic and polar, with histidine, which is basic and polar, at codon 259 of the TCN2 protein (p.Arg259His). This variant is present in population databases (rs1801198, gnomAD 0.04%). This variant has not been reported in the literature in individuals affected with TCN2-related conditions. Algorithms developed to predict the effect of missense changes on protein structure and function output the following: SIFT: "Deleterious"; PolyPhen-2: "Benign"; Align-GVGD: "Class C0". The histidine amino acid residue is found in multiple mammalian species, which suggests that this missense change does not adversely affect protein function. In summary, the available evidence is currently insufficient to determine the role of this variant in disease. Therefore, it has been classified as a Variant of Uncertain Significance.

NM_000355.4(TCN2):c.776G>A (p.Arg259His)

Gene: TCN2 (transcobalamin 2; plus strand). Cytogenetic location: 22q12.2.
Variant type: single nucleotide variant.
Coding change: c.776G>A on transcript NM_000355.4 (MANE Select); coding-DNA position 776, G replaced by A.
Protein change: p.Arg259His; replaces arginine 259 with histidine.
Molecular consequence: missense variant.
Genome position (GRCh38, 1-based): chr22:30,615,623, G>A. VCF-style: chr22-30615623-G-A. GRCh37 (hg19) VCF-style: chr22-31011610-G-A.
Other names: c.695G>A, p.Arg232His (NM_001184726.2); short protein forms R259H, R232H.
Identifiers: ClinVar variation 1393171 (VCV001393171.3), dbSNP rs1801198, ClinGen allele CA10184846.
Genomic context (GRCh38, chr22:30,615,623, plus strand): 5'-GGCTGACTTCCTCTCTCTCTTCCTCACTCTATCACCAGTTCCTCATGACTTCCCCCATGC[G>A]TGGGGCAGAACTGGGAACAGCATGTCTCAAGGCGAGGGTTGCTTTGCTGGCCAGTCTGCA-3'
Protein context (NP_000346.2, residues 249-269): ALQFLMTSPM[Arg259His]GAELGTACLK